The following is an entry in ClinVar:

ClinVar aggregate classification (germline): Uncertain significance. Review status: criteria provided, multiple submitters, no conflicts (2 of 4 stars). 2 submissions from 2 submitters: Uncertain significance (2). Last evaluated 2025-03-03.

Allele frequency attached by ClinVar (database versions not stated): gnomAD exomes below 0.00001; ExAC 0.00001.
gnomAD v4.1: 4 of 1,613,930 alleles (0.00025%); highest among the groups gnomAD compares: South Asian, 0.0044%; no homozygotes.

Submissions (2):

Women's Health and Genetics/Laboratory Corporation of America, LabCorp
Classification: Uncertain significance. Last evaluated: 2025-03-03. Review status: criteria provided, single submitter. Criteria: LabCorp Variant Classification Summary - May 2015. Collection method: clinical testing. Allele origin: germline.
Comment: Variant summary: COL6A3 c.3141G>C (p.Leu1047Phe) results in a non-conservative amino acid change in the encoded protein sequence. Five of five in-silico tools predict a damaging effect of the variant on protein function. The variant allele was found at a frequency of 4e-06 in 248908 control chromosomes. The available data on variant occurrences in the general population are insufficient to allow any conclusion about variant significance. To our knowledge, no occurrence of c.3141G>C in individuals affected with Ullrich congenital muscular dystrophy and no experimental evidence demonstrating its impact on protein function have been reported. ClinVar contains an entry for this variant (Variation ID: 281789). Based on the evidence outlined above, the variant was classified as uncertain significance.

Eurofins Ntd Llc (ga)
Classification: Uncertain significance. Last evaluated: 2015-07-14. Review status: criteria provided, single submitter. Criteria: EGL Classification Definitions 2015. Collection method: clinical testing. Allele origin: germline. Observed: 1 variant allele, 1 heterozygote.

NM_004369.4(COL6A3):c.3141G>C (p.Leu1047Phe)

Gene: COL6A3 (collagen type VI alpha 3 chain; minus strand). Cytogenetic location: 2q37.3.
Variant type: single nucleotide variant.
Coding change: c.3141G>C on transcript NM_004369.4 (MANE Select); coding-DNA position 3141, G replaced by C.
Protein change: p.Leu1047Phe; replaces leucine 1047 with phenylalanine.
Molecular consequence: missense variant.
Genome position (GRCh38, 1-based): chr2:237,374,950, C>G on the plus strand (G>C on the coding strand, the complement: COL6A3 is on the minus strand). VCF-style: chr2-237374950-C-G. GRCh37 (hg19) VCF-style: chr2-238283593-C-G.
Other names: c.1920G>C, p.Leu640Phe (NM_057164.5); c.2523G>C, p.Leu841Phe (NM_057165.5, NM_057167.4); c.1320G>C, p.Leu440Phe (NM_057166.5); short protein forms L1047F, L440F, L841F, L640F.
Identifiers: ClinVar variation 281789 (VCV000281789.6), dbSNP rs746229521, ClinGen allele CA2189232.